The following is an entry in ClinVar:

ClinVar aggregate classification (germline): Uncertain significance (1 of 4 stars; one submission).

Conditions:
Inborn genetic diseases. Identifiers: MedGen C0950123, MeSH D030342.

Submission:

Ambry Genetics
Classification: Uncertain significance for Inborn genetic diseases. Last evaluated: 2025-05-18. Review status: criteria provided, single submitter. Criteria: Ambry Variant Classification Scheme 2023. Collection method: clinical testing. Allele origin: germline.
Comment: The p.H1256R variant (also known as c.3767A>G), located in coding exon 1 of the SAMD9L gene, results from an A to G substitution at nucleotide position 3767. The histidine at codon 1256 is replaced by arginine, an amino acid with highly similar properties. This amino acid position is conserved. In addition, this alteration is predicted to be tolerated by in silico analysis. Based on the available evidence, the clinical significance of this variant remains unclear.

NM_152703.5(SAMD9L):c.3767A>G (p.His1256Arg)

Gene: SAMD9L (sterile alpha motif domain containing 9 like; minus strand). Cytogenetic location: 7q21.2.
Variant type: single nucleotide variant.
Coding change: c.3767A>G on transcript NM_152703.5 (MANE Select); coding-DNA position 3767, A replaced by G.
Protein change: p.His1256Arg; replaces histidine 1256 with arginine.
Molecular consequence: missense variant.
Genome position (GRCh38, 1-based): chr7:93,132,205, T>C on the plus strand (A>G on the coding strand, the complement: SAMD9L is on the minus strand). VCF-style: chr7-93132205-T-C. GRCh37 (hg19) VCF-style: chr7-92761518-T-C.
Other names: c.3767A>G, p.His1256Arg (NM_001303496.3, NM_001303497.3, NM_001303498.3 and 5 more transcripts); short protein forms H1256R.
Identifiers: ClinVar variation 3949934 (VCV003949934.1).